The following is an entry in ClinVar:

ClinVar aggregate classification (germline): Uncertain significance. Review status: criteria provided, multiple submitters, no conflicts (2 of 4 stars). 2 submissions from 2 submitters: Uncertain significance (2). Last evaluated 2023-12-29.

Conditions:
Cone-rod dystrophy 15 (CORD15). Identifiers: MedGen C3150912, MONDO:0013348, OMIM 613660.

Allele frequency attached by ClinVar (database versions not stated): gnomAD exomes 0.00001.
gnomAD v4.1: 4 of 1,614,192 alleles (0.00025%); highest among the groups gnomAD compares: Non-Finnish European, 0.00034%; no homozygotes.

Submissions (2):

Revvity Omics, Revvity
Classification: Uncertain significance for Cone-rod dystrophy 15. Last evaluated: 2023-12-29. Review status: criteria provided, single submitter. Criteria: ACMG Guidelines, 2015. Collection method: clinical testing. Allele origin: germline.

Labcorp Genetics (formerly Invitae), Labcorp
Classification: Uncertain significance. Last evaluated: 2023-10-10. Review status: criteria provided, single submitter. Criteria: Invitae Variant Classification Sherloc (09022015). Collection method: clinical testing. Allele origin: germline.
Comment: This sequence change replaces valine, which is neutral and non-polar, with aspartic acid, which is acidic and polar, at codon 569 of the CDHR1 protein (p.Val569Asp). This variant is not present in population databases (gnomAD no frequency). This missense change has been observed in individual(s) with retinitis pigmentosa (Invitae). In at least one individual the data is consistent with being in trans (on the opposite chromosome) from a pathogenic variant. ClinVar contains an entry for this variant (Variation ID: 1402574). Advanced modeling of protein sequence and biophysical properties (such as structural, functional, and spatial information, amino acid conservation, physicochemical variation, residue mobility, and thermodynamic stability) performed at Invitae indicates that this missense variant is not expected to disrupt CDHR1 protein function. In summary, the available evidence is currently insufficient to determine the role of this variant in disease. Therefore, it has been classified as a Variant of Uncertain Significance.

NM_033100.4(CDHR1):c.1706T>A (p.Val569Asp)

Gene: CDHR1 (cadherin related family member 1; plus strand). Cytogenetic location: 10q23.1.
Variant type: single nucleotide variant.
Coding change: c.1706T>A on transcript NM_033100.4 (MANE Select); coding-DNA position 1706, T replaced by A.
Protein change: p.Val569Asp; replaces valine 569 with aspartic acid.
Molecular consequence: missense variant.
Genome position (GRCh38, 1-based): chr10:84,212,331, T>A. VCF-style: chr10-84212331-T-A. GRCh37 (hg19) VCF-style: chr10-85972087-T-A.
Other names: c.1706T>A, p.Val569Asp (NM_001171971.3); short protein forms V569D.
Identifiers: ClinVar variation 1402574 (VCV001402574.9), dbSNP rs2132831298, ClinGen allele CA377378070.